The following is an entry in ClinVar:

ClinVar aggregate classification (germline): Uncertain significance (1 of 4 stars; one submission).

gnomAD v4.1: 2 of 1,500,014 alleles (0.00013%); highest among the groups gnomAD compares: Non-Finnish European, 0.00018%; no homozygotes.

Submission:

Labcorp Genetics (formerly Invitae), Labcorp
Classification: Uncertain significance. Last evaluated: 2024-09-19. Review status: criteria provided, single submitter. Criteria: Invitae Variant Classification Sherloc (09022015). Collection method: clinical testing. Allele origin: germline.
Comment: This sequence change replaces alanine, which is neutral and non-polar, with glycine, which is neutral and non-polar, at codon 17 of the LOX protein (p.Ala17Gly). This variant is present in population databases (rs765159521, gnomAD 0.001%). This variant has not been reported in the literature in individuals affected with LOX-related conditions. Invitae Evidence Modeling of protein sequence and biophysical properties (such as structural, functional, and spatial information, amino acid conservation, physicochemical variation, residue mobility, and thermodynamic stability) indicates that this missense variant is not expected to disrupt LOX protein function with a negative predictive value of 80%. In summary, the available evidence is currently insufficient to determine the role of this variant in disease. Therefore, it has been classified as a Variant of Uncertain Significance.

NM_002317.7(LOX):c.50C>G (p.Ala17Gly)

Genes: LOX (lysyl oxidase; minus strand), SRFBP1 (serum response factor binding protein 1; plus strand). Cytogenetic location: 5q23.1.
Variant type: single nucleotide variant.
Coding change: c.50C>G on transcript NM_002317.7 (MANE Select); coding-DNA position 50, C replaced by G.
Protein change: p.Ala17Gly; replaces alanine 17 with glycine.
Molecular consequence: missense variant.
Genome position (GRCh38, 1-based): chr5:122,077,936, G>C on the plus strand (C>G on the coding strand, the complement: LOX is on the minus strand). VCF-style: chr5-122077936-G-C. GRCh37 (hg19) VCF-style: chr5-121413631-G-C.
Other names: short protein forms A17G.
Identifiers: ClinVar variation 3621780 (VCV003621780.2).
Genomic context (GRCh38, chr5:122,077,936, plus strand): 5'-GCCGGCGGCTCGCGCGGGGGCTGCTGTTGGCCGGCGGCGGGAGGGGCGCAGTGCACTAGC[G>C]CGCAGAGCTGCAAAGGCCCGAGCAGGAGCACGGTCCAGGCGAAGCGCATCACTCCTTTTG-3'
Protein context (NP_002308.2, residues 7-27): VLLLGPLQLC[Ala17Gly]LVHCAPPAAG